The following is an entry in ClinVar:

NM_033026.6(PCLO):c.6074C>T (p.Pro2025Leu)

Gene: PCLO (piccolo presynaptic cytomatrix protein; minus strand). Cytogenetic location: 7q21.11.
Variant type: single nucleotide variant.
Coding change: c.6074C>T on transcript NM_033026.6 (MANE Select); coding-DNA position 6074, C replaced by T.
Protein change: p.Pro2025Leu; replaces proline 2025 with leucine.
Molecular consequence: missense variant.
Genome position (GRCh38, 1-based): chr7:82,954,879, G>A on the plus strand (C>T on the coding strand, the complement: PCLO is on the minus strand). VCF-style: chr7-82954879-G-A. GRCh37 (hg19) VCF-style: chr7-82584195-G-A.
Other names: c.6074C>T, p.Pro2025Leu (NM_014510.3); short protein forms P2025L.
Identifiers: ClinVar variation 1918032 (VCV001918032.4), dbSNP rs745546288, ClinGen allele CA4320539.

ClinVar aggregate classification (germline): Uncertain significance (1 of 4 stars; one submission).

Allele frequency attached by ClinVar (database versions not stated): ExAC 0.00001; gnomAD 0.00001; gnomAD exomes 0.00001; TOPMed 0.00001.
gnomAD v4.1: 19 of 1,613,726 alleles (0.0012%); highest among the groups gnomAD compares: Non-Finnish European, 0.0015%; no homozygotes.

Submission:

Labcorp Genetics (formerly Invitae), Labcorp
Classification: Uncertain significance. Last evaluated: 2022-03-14. Review status: criteria provided, single submitter. Criteria: Invitae Variant Classification Sherloc (09022015). Collection method: clinical testing. Allele origin: germline.
Comment: In summary, the available evidence is currently insufficient to determine the role of this variant in disease. Therefore, it has been classified as a Variant of Uncertain Significance. Algorithms developed to predict the effect of missense changes on protein structure and function are either unavailable or do not agree on the potential impact of this missense change (SIFT: "Deleterious"; PolyPhen-2: "Not Available"; Align-GVGD: "Class C0"). This sequence change replaces proline, which is neutral and non-polar, with leucine, which is neutral and non-polar, at codon 2025 of the PCLO protein (p.Pro2025Leu). This variant is present in population databases (rs745546288, gnomAD 0.002%). This variant has not been reported in the literature in individuals affected with PCLO-related conditions.